The following is an entry in ClinVar:

ClinVar aggregate classification (germline): Uncertain significance (1 of 4 stars; one submission).

Conditions:
Congenital myasthenic syndrome 12 (CMS12). Also called: Myasthenia, congenital, 12, with tubular aggregates; MYASTHENIC SYNDROME, CONGENITAL, WITH TUBULAR AGGREGATES 1. Identifiers: Orphanet 353327, Orphanet 590, MedGen C3552335, MONDO:0012518, OMIM 610542.

Allele frequency attached by ClinVar (database versions not stated): gnomAD exomes below 0.00001.
gnomAD v4.1: 1 of 1,608,064 alleles (0.000062%); highest among the groups gnomAD compares: Non-Finnish European, 0.000085%; no homozygotes.

Submission:

Labcorp Genetics (formerly Invitae), Labcorp
Classification: Uncertain significance for Congenital myasthenic syndrome 12. Last evaluated: 2022-05-04. Review status: criteria provided, single submitter. Criteria: Invitae Variant Classification Sherloc (09022015). Collection method: clinical testing. Allele origin: germline.
Comment: In summary, the available evidence is currently insufficient to determine the role of this variant in disease. Therefore, it has been classified as a Variant of Uncertain Significance. This sequence change replaces threonine, which is neutral and polar, with alanine, which is neutral and non-polar, at codon 219 of the GFPT1 protein (p.Thr219Ala). This variant is not present in population databases (gnomAD no frequency). This variant has not been reported in the literature in individuals affected with GFPT1-related conditions. Algorithms developed to predict the effect of missense changes on protein structure and function (SIFT, PolyPhen-2, Align-GVGD) all suggest that this variant is likely to be tolerated.

NM_001244710.2(GFPT1):c.655A>G (p.Thr219Ala)

Gene: GFPT1 (glutamine--fructose-6-phosphate transaminase 1; minus strand). Cytogenetic location: 2p13.3.
Variant type: single nucleotide variant.
Coding change: c.655A>G on transcript NM_001244710.2 (MANE Select); coding-DNA position 655, A replaced by G.
Protein change: p.Thr219Ala; replaces threonine 219 with alanine.
Molecular consequence: missense variant.
Genome position (GRCh38, 1-based): chr2:69,354,519, T>C on the plus strand (A>G on the coding strand, the complement: GFPT1 is on the minus strand). VCF-style: chr2-69354519-T-C. GRCh37 (hg19) VCF-style: chr2-69581651-T-C.
Other names: c.655A>G, p.Thr219Ala (NM_002056.4); short protein forms T219A.
Identifiers: ClinVar variation 1979396 (VCV001979396.2), dbSNP rs2466100348, ClinGen allele CA347129972.
Genomic context (GRCh38, chr2:69,354,519, plus strand): 5'-ACTGCACTGCATTTGTAGAGGTAATTTTACCTGTTCTGTAGAGTATAGGAATGTGATCAG[T>C]AGAAAGTTTATGTTCACTCCGTACACCAATCAACAGAGGGCTACCTCGCCTGTAAATTGC-3'
Protein context (NP_001231639.1, residues 209-229): IGVRSEHKLS[Thr219Ala]DHIPILYRTA